The following is an entry in ClinVar:

NM_001353108.3(CEP63):c.499G>A (p.Val167Ile)

Gene: CEP63 (centrosomal protein 63; plus strand). Cytogenetic location: 3q22.2.
Variant type: single nucleotide variant.
Coding change: c.499G>A on transcript NM_001353108.3 (MANE Select); coding-DNA position 499, G replaced by A.
Protein change: p.Val167Ile; replaces valine 167 with isoleucine.
Molecular consequence: missense variant. On other transcripts: non-coding transcript variant (4).
Genome position (GRCh38, 1-based): chr3:134,537,212, G>A. VCF-style: chr3-134537212-G-A. GRCh37 (hg19) VCF-style: chr3-134256054-G-A.
Other names: c.499G>A, p.Val167Ile (NM_001042383.2, NM_001042384.2, NM_001042400.3 and 13 more transcripts); c.526G>A, p.Val176Ile (NM_001353118.1); c.415G>A, p.Val139Ile (NM_001353125.2); c.136G>A, p.Val46Ile (NM_001353126.2); c.499G>A (NM_025180.3); short protein forms V139I, V167I, V176I, V46I.
Identifiers: ClinVar variation 2190895 (VCV002190895.5), dbSNP rs148139450, ClinGen allele CA2628395.

ClinVar aggregate classification (germline): Uncertain significance. Review status: criteria provided, single submitter (1 of 4 stars). 2 submissions from 2 submitters: Uncertain significance (1). 1 of the submissions does not count toward it. Last evaluated 2024-08-12.

Conditions:
CEP63-related disorder. Also called: CEP63-related condition.

Allele frequency attached by ClinVar (database versions not stated): 1000 Genomes Project 30x 0.00016; ESP Exome Variant Server 0.00062.
gnomAD v4.1: 118 of 1,614,022 alleles (0.0073%); highest among the groups gnomAD compares: African/African-American, 0.13%; no homozygotes.

Submissions (2):

Labcorp Genetics (formerly Invitae), Labcorp
Classification: Uncertain significance. Last evaluated: 2024-08-12. Review status: criteria provided, single submitter. Criteria: Invitae Variant Classification Sherloc (09022015). Collection method: clinical testing. Allele origin: germline.
Comment: This sequence change replaces valine, which is neutral and non-polar, with isoleucine, which is neutral and non-polar, at codon 167 of the CEP63 protein (p.Val167Ile). This variant is present in population databases (rs148139450, gnomAD 0.2%). This variant has not been reported in the literature in individuals affected with CEP63-related conditions. ClinVar contains an entry for this variant (Variation ID: 2190895). Advanced modeling of protein sequence and biophysical properties (such as structural, functional, and spatial information, amino acid conservation, physicochemical variation, residue mobility, and thermodynamic stability) performed at Invitae indicates that this missense variant is not expected to disrupt CEP63 protein function with a negative predictive value of 80%. In summary, the available evidence is currently insufficient to determine the role of this variant in disease. Therefore, it has been classified as a Variant of Uncertain Significance.

PreventionGenetics, part of Exact Sciences
Classification: Likely benign for CEP63-related condition. Last evaluated: 2022-11-11. Review status: no assertion criteria provided. Collection method: clinical testing. Allele origin: germline. Not counted in ClinVar's aggregate classification.
Comment: This variant is classified as likely benign based on ACMG/AMP sequence variant interpretation guidelines (Richards et al. 2015 PMID: 25741868, with internal and published modifications).